The following is an entry in ClinVar:

ClinVar aggregate classification (germline): Uncertain significance. Review status: criteria provided, multiple submitters, no conflicts (2 of 4 stars). 2 submissions from 2 submitters: Uncertain significance (2). Last evaluated 2025-02-10.

Conditions:
Epidermolysis bullosa simplex with nail dystrophy (EBS5D). Identifiers: MedGen C4225309, MONDO:0014661, OMIM 616487.
Epidermolysis bullosa simplex 5B, with muscular dystrophy (EBS5B). Also called: EPIDERMOLYSIS BULLOSA SIMPLEX AND LIMB-GIRDLE MUSCULAR DYSTROPHY; Epidermolysis bullosa simplex with muscular dystrophy. Identifiers: Orphanet 257, MedGen C2931072, MONDO:0009181, OMIM 226670.
Epidermolysis bullosa simplex 5C, with pyloric atresia (EBS5C). Also called: PLEC-Related Epidermolysis Bullosa with Pyloric Atresia; Epidermolysis bullosa simplex with pyloric atresia; PLEC1-Related Epidermolysis Bullosa with Pyloric Atresia. Identifiers: Orphanet 158684, MedGen C2677349, MONDO:0012807, OMIM 612138.
Autosomal recessive limb-girdle muscular dystrophy type 2Q (LGMDR17). Also called: MUSCULAR DYSTROPHY, LIMB-GIRDLE, AUTOSOMAL RECESSIVE 17. Identifiers: Orphanet 254361, MedGen C3150989, MONDO:0013390, OMIM 613723.
Epidermolysis bullosa simplex, Ogna type (EBS5A). Also called: Pidermolysis bullosa simplex 5A, Ogna type; EPIDERMOLYSIS BULLOSA SIMPLEX 5A, OGNA TYPE. Identifiers: Orphanet 79401, MedGen C0432317, MONDO:0007555, OMIM 131950.
Inborn genetic diseases. Identifiers: MedGen C0950123, MeSH D030342.

gnomAD v4.1: 1 of 1,613,254 alleles (0.000062%); highest among the groups gnomAD compares: Non-Finnish European, 0.000085%; no homozygotes.

Submissions (2):

Ambry Genetics
Classification: Uncertain significance for Inborn genetic diseases. Last evaluated: 2025-02-10. Review status: criteria provided, single submitter. Criteria: Ambry Variant Classification Scheme 2023. Collection method: clinical testing. Allele origin: germline.

Labcorp Genetics (formerly Invitae), Labcorp
Classification: Uncertain significance for Autosomal recessive limb-girdle muscular dystrophy type 2Q; Epidermolysis bullosa simplex, Ogna type; Epidermolysis bullosa simplex with nail dystrophy; Epidermolysis bullosa simplex 5C, with pyloric atresia; Epidermolysis bullosa simplex 5B, with muscular dystrophy. Last evaluated: 2022-12-10. Review status: criteria provided, single submitter. Criteria: Invitae Variant Classification Sherloc (09022015). Collection method: clinical testing. Allele origin: germline.
Comment: This sequence change replaces isoleucine, which is neutral and non-polar, with methionine, which is neutral and non-polar, at codon 2843 of the PLEC protein (p.Ile2843Met). This variant is not present in population databases (gnomAD no frequency). This variant has not been reported in the literature in individuals affected with PLEC-related conditions. Algorithms developed to predict the effect of missense changes on protein structure and function are either unavailable or do not agree on the potential impact of this missense change (SIFT: "Deleterious"; PolyPhen-2: "Probably Damaging"; Align-GVGD: "Class C0"). In summary, the available evidence is currently insufficient to determine the role of this variant in disease. Therefore, it has been classified as a Variant of Uncertain Significance.

NM_201384.3(PLEC):c.8448C>G (p.Ile2816Met)

Gene: PLEC (plectin; minus strand). Cytogenetic location: 8q24.3.
Variant type: single nucleotide variant.
Coding change: c.8448C>G on transcript NM_201384.3 (MANE Select); coding-DNA position 8448, C replaced by G.
Protein change: p.Ile2816Met; replaces isoleucine 2816 with methionine.
Molecular consequence: missense variant.
Genome position (GRCh38, 1-based): chr8:143,921,373, G>C on the plus strand (C>G on the coding strand, the complement: PLEC is on the minus strand). VCF-style: chr8-143921373-G-C. GRCh37 (hg19) VCF-style: chr8-144995541-G-C.
Other names: c.8382C>G, p.Ile2794Met (NM_201379.3); c.8859C>G, p.Ile2953Met (NM_201380.4); c.8352C>G, p.Ile2784Met (NM_201381.3); c.8448C>G, p.Ile2816Met (NM_201382.4); c.8460C>G, p.Ile2820Met (NM_201383.3); c.8529C>G, p.Ile2843Met (NM_000445.5); c.5148C>G, p.Ile1716Met (NM_001410941.1); c.8406C>G, p.Ile2802Met (NM_201378.4); and 1 more; short protein forms I2816M, I1716M, I2794M, I2784M, I2802M, I2820M, I2843M, I2953M.
Identifiers: ClinVar variation 2931729 (VCV002931729.4), dbSNP rs368120516, ClinGen allele CA372516024.